The following is an entry in ClinVar:

NM_133459.4(CCBE1):c.902G>A (p.Arg301Gln)

Gene: CCBE1 (collagen and calcium binding EGF domains 1; minus strand). Cytogenetic location: 18q21.32.
Variant type: single nucleotide variant.
Coding change: c.902G>A on transcript NM_133459.4 (MANE Select); coding-DNA position 902, G replaced by A.
Protein change: p.Arg301Gln; replaces arginine 301 with glutamine.
Molecular consequence: missense variant.
Genome position (GRCh38, 1-based): chr18:59,439,690, C>T on the plus strand (G>A on the coding strand, the complement: CCBE1 is on the minus strand). VCF-style: chr18-59439690-C-T. GRCh37 (hg19) VCF-style: chr18-57106922-C-T.
Other names: short protein forms R301Q.
Identifiers: ClinVar variation 890299 (VCV000890299.13), dbSNP rs200772179, ClinGen allele CA8980296.

ClinVar aggregate classification (germline): Uncertain significance. Review status: criteria provided, multiple submitters, no conflicts (2 of 4 stars). 6 submissions from 6 submitters: Uncertain significance (6). Last evaluated 2024-05-08.

Conditions:
CCBE1-related disorder. Also called: CCBE1-related condition.
Inborn genetic diseases. Identifiers: MedGen C0950123, MeSH D030342.
Hennekam lymphangiectasia-lymphedema syndrome 1 (HKLLS1). Also called: LYMPHATIC DYSPLASIA, GENERALIZED. Identifiers: Orphanet 2136, MedGen C4012050, MONDO:0009337, OMIM 235510.

Allele frequency attached by ClinVar (database versions not stated): 1000 Genomes Project 30x 0.00016; 1000 Genomes Project 0.00020; ExAC 0.00020; gnomAD exomes 0.00020 and 0.00032; gnomAD 0.00038; TOPMed 0.00039; ESP Exome Variant Server 0.00062.
gnomAD v4.1: 530 of 1,614,232 alleles (0.033%); highest among the groups gnomAD compares: Non-Finnish European, 0.041%; no homozygotes.

Submissions (6):

Clinical Genomics Laboratory, Washington University in St. Louis
Classification: Uncertain significance for Hennekam lymphangiectasia-lymphedema syndrome 1. Last evaluated: 2024-05-08. Review status: criteria provided, single submitter. Criteria: ACMG Guidelines, 2015. Collection method: clinical testing. Allele origin: germline.
Comment: The CCBE1 c.902G>A (p.Arg301Gln) variant was identified at a near-heterozygous allelic fraction of 48%, a frequency which may be consistent with it being of germline origin. This variant has been reported in an individual affected with Hennekam lymphangiectasia‚Äìlymphedema syndrome (Brouillard P et al., PMID: 28985353) but was interpreted as a polymorphism due to the presence of two other likely causative variants in another gene. Computational predictors suggest that the variant does not impact CCBE1 function. This variant has been reported in the ClinVar database as a variant of uncertain significance by 5 submitters (ClinVar Variation ID: 890299). This variant is observed in 530/1,614,232 alleles in the general population (gnomAD v4.1.0). Due to limited information, and based on ACMG/AMP guidelines for variant interpretation (Richards S et al., PMID: 25741868), the clinical significance of this variant is uncertain at this time.

Labcorp Genetics (formerly Invitae), Labcorp
Classification: Uncertain significance. Last evaluated: 2024-01-25. Review status: criteria provided, single submitter. Criteria: Invitae Variant Classification Sherloc (09022015). Collection method: clinical testing. Allele origin: germline.
Comment: This sequence change replaces arginine, which is basic and polar, with glutamine, which is neutral and polar, at codon 301 of the CCBE1 protein (p.Arg301Gln). This variant is present in population databases (rs200772179, gnomAD 0.05%). This missense change has been observed in individual(s) with Hennekam lymphangiectasia-lymphedema syndrome (PMID: 28985353). ClinVar contains an entry for this variant (Variation ID: 890299). Advanced modeling of protein sequence and biophysical properties (such as structural, functional, and spatial information, amino acid conservation, physicochemical variation, residue mobility, and thermodynamic stability) performed at Invitae indicates that this missense variant is not expected to disrupt CCBE1 protein function with a negative predictive value of 80%. In summary, the available evidence is currently insufficient to determine the role of this variant in disease. Therefore, it has been classified as a Variant of Uncertain Significance.

PreventionGenetics, part of Exact Sciences
Classification: Uncertain significance for CCBE1-related condition. Last evaluated: 2022-12-01. Review status: criteria provided, single submitter. Criteria: ACMG Guidelines, 2015. Collection method: clinical testing. Allele origin: germline.
Comment: The CCBE1 c.902G>A variant is predicted to result in the amino acid substitution p.Arg301Gln. To our knowledge, this variant has not been reported in the literature. This variant is reported in 0.047% of alleles in individuals of European (Non-Finnish) descent in gnomAD. At this time, the clinical significance of this variant is uncertain due to the absence of conclusive functional and genetic evidence.

Revvity Omics, Revvity
Classification: Uncertain significance for Hennekam lymphangiectasia-lymphedema syndrome 1. Last evaluated: 2021-09-06. Review status: criteria provided, single submitter. Criteria: ACMG Guidelines, 2015. Collection method: clinical testing. Allele origin: germline.

Ambry Genetics
Classification: Uncertain significance for Inborn genetic diseases. Last evaluated: 2021-05-17. Review status: criteria provided, single submitter. Criteria: Ambry Variant Classification Scheme 2023. Collection method: clinical testing. Allele origin: germline.
Comment: The c.902G>A (p.R301Q) alteration is located in exon 8 (coding exon 8) of the CCBE1 gene. This alteration results from a G to A substitution at nucleotide position 902, causing the arginine (R) at amino acid position 301 to be replaced by a glutamine (Q). The p.R301Q alteration is predicted to be tolerated by in silico analysis. Based on insufficient or conflicting evidence, the clinical significance of this alteration remains unclear.

Illumina Laboratory Services, Illumina
Classification: Uncertain significance for Hennekam lymphangiectasia-lymphedema syndrome 1. Last evaluated: 2018-01-13. Review status: criteria provided, single submitter. Criteria: ICSL Variant Classification Criteria 13 December 2019. Collection method: clinical testing. Allele origin: germline.

Literature cited by the submitters: PubMed 28985353 (cited by Labcorp Genetics (formerly Invitae), Labcorp).